The following is an entry in ClinVar:

ClinVar aggregate classification (germline): Uncertain significance (0 of 4 stars; one submission).

Conditions:
PPARG-related disorder. Also called: PPARG-related disorders; PPARG-related condition.

gnomAD v4.1: 25 of 1,614,020 alleles (0.0015%); highest among the groups gnomAD compares: South Asian, 0.027%; no homozygotes.

Submission:

PreventionGenetics, part of Exact Sciences
Classification: Uncertain significance for PPARG-related condition. Last evaluated: 2024-07-29. Review status: no assertion criteria provided. Collection method: clinical testing. Allele origin: germline.
Comment: The PPARG c.991A>G variant is predicted to result in the amino acid substitution p.Ile331Val. This variant was identified in a control individual from a type 2 diabetes case-control study (Table 1, Majithia et al. 2014. PubMed ID: 25157153). In vitro functional studies showed that this variant does not significantly affect the ability to differentiate in human adipocytes (Figure 2A, Majithia et al. 2014. PubMed ID: 25157153). This variant is reported in 0.026% of alleles in individuals of South Asian descent in gnomAD. A different nucleotide substitution affecting the same amino acid (p.Ile331Leu) has been reported as uncertain significance in a cohort of individual with dyslipidemias (Table S3, Dron et al. 2020. PubMed ID: 32041611). At this time, the clinical significance of the c.991A>G (p.Ile331Val) variant is uncertain due to the absence of conclusive functional and genetic evidence.

NM_138711.6(PPARG):c.901A>G (p.Ile301Val)

Gene: PPARG (peroxisome proliferator activated receptor gamma; plus strand). Cytogenetic location: 3p25.2.
Variant type: single nucleotide variant.
Coding change: c.901A>G on transcript NM_138711.6 (MANE Select); coding-DNA position 901, A replaced by G.
Protein change: p.Ile301Val; replaces isoleucine 301 with valine.
Molecular consequence: missense variant. On other transcripts: intron variant (5).
Genome position (GRCh38, 1-based): chr3:12,416,875, A>G. VCF-style: chr3-12416875-A-G. GRCh37 (hg19) VCF-style: chr3-12458374-A-G.
Other names: c.901A>G, p.Ile301Val (NM_001354666.3, NM_001354667.3, NM_001374263.2 and 3 more transcripts); c.274A>G, p.Ile92Val (NM_001354669.2); c.991A>G, p.Ile331Val (NM_015869.5); c.729+10794A>G (NM_001374261.3, NM_001374262.3, NM_001330615.4); c.653+10876A>G (NM_001374266.1); c.819+10794A>G (NM_001374265.1); short protein forms I301V, I331V, I92V.
Identifiers: ClinVar variation 3353211 (VCV003353211.1).